The following is an entry in ClinVar:

ClinVar aggregate classification (germline): Conflicting classifications of pathogenicity. Review status: criteria provided, conflicting classifications (1 of 4 stars). 5 submissions from 5 submitters: Uncertain significance (3); Benign (1); Likely benign (1). Last evaluated 2026-01-07.

Conditions:
Fibromuscular dysplasia, multifocal. Identifiers: MedGen C5543412, MONDO:0859151, OMIM 619329.
Ehlers-Danlos syndrome, classic type, 1 (EDSCL1). Also called: EDS I; Ehlers-Danlos Syndrome, Classic Type, COL5A1-Related; Ehlers-Danlos syndrome, type 1; EHLERS-DANLOS SYNDROME, GRAVIS TYPE; EHLERS-DANLOS SYNDROME, SEVERE CLASSIC TYPE. Identifiers: MedGen C0268335, MONDO:0019567, OMIM 130000.
Familial thoracic aortic aneurysm and aortic dissection (TAAD). Also called: Thoracic aortic aneurysms and dissections. Identifiers: Orphanet 91387, MedGen C4707243, MONDO:0019625.

Allele frequency attached by ClinVar (database versions not stated): gnomAD 0.00001 and 0.00003; TOPMed 0.00003; ExAC 0.00005; gnomAD exomes 0.00005; 1000 Genomes Project 30x 0.00016; 1000 Genomes Project 0.00020.
gnomAD v4.1: 69 of 1,613,848 alleles (0.0043%); highest among the groups gnomAD compares: Non-Finnish European, 0.0057%; no homozygotes.

Submissions (5):

Labcorp Genetics (formerly Invitae), Labcorp
Classification: Benign for Ehlers-Danlos syndrome, classic type, 1. Last evaluated: 2026-01-07. Review status: criteria provided, single submitter. Criteria: Invitae Variant Classification Sherloc (09022015). Collection method: clinical testing. Allele origin: germline.

CeGaT Center for Human Genetics Tuebingen
Classification: Uncertain significance. Last evaluated: 2026-01-01. Review status: criteria provided, single submitter. Criteria: CeGaT Center For Human Genetics Tuebingen Variant Classification Criteria Version 2. Collection method: clinical testing. Allele origin: germline. Affected: yes. Observed: 1 variant allele.

Ambry Genetics
Classification: Likely benign for Familial thoracic aortic aneurysm and aortic dissection. Last evaluated: 2025-08-04. Review status: criteria provided, single submitter. Criteria: Ambry Variant Classification Scheme 2023. Collection method: clinical testing. Allele origin: germline.

Fulgent Genetics
Classification: Uncertain significance for Ehlers-Danlos syndrome, classic type, 1; Fibromuscular dysplasia, multifocal. Last evaluated: 2024-05-23. Review status: criteria provided, single submitter. Criteria: ACMG Guidelines, 2015. Collection method: clinical testing. Allele origin: germline.

GeneDx
Classification: Uncertain significance. Last evaluated: 2022-08-10. Review status: criteria provided, single submitter. Criteria: GeneDx Variant Classification Process June 2021. Collection method: clinical testing. Allele origin: germline. Affected: yes.
Comment: Has not been previously published as pathogenic or benign in association with a COL5A1-related disorder to our knowledge; In silico analysis, which includes protein predictors and evolutionary conservation, supports a deleterious effect; Occurs in the triple helical domain at the X position in the canonical Gly-X-Y repeat; although this variant may have an effect on normal protein folding and function, missense substitution at the X position is not a common mechanism of disease (Symoens et al., 2012; HGMD); This variant is associated with the following publications: (PMID: 22696272, 33206719)

NM_000093.5(COL5A1):c.4586C>A (p.Pro1529His)

Genes: COL5A1 (collagen type V alpha 1 chain; plus strand), LOC101448202 (uncharacterized LOC101448202; minus strand). Cytogenetic location: 9q34.3.
Variant type: single nucleotide variant.
Coding change: c.4586C>A on transcript NM_000093.5 (MANE Select); coding-DNA position 4586, C replaced by A.
Protein change: p.Pro1529His; replaces proline 1529 with histidine.
Molecular consequence: missense variant.
Genome position (GRCh38, 1-based): chr9:134,822,128, C>A. VCF-style: chr9-134822128-C-A. GRCh37 (hg19) VCF-style: chr9-137713974-C-A.
Other names: c.4586C>A, p.Pro1529His (NM_001278074.1); short protein forms P1529H.
Identifiers: ClinVar variation 380308 (VCV000380308.19), dbSNP rs201582108, ClinGen allele CA5320356.